The following is an entry in ClinVar:

NM_153603.4(COG7):c.1064A>T (p.Tyr355Phe)

Gene: COG7 (component of oligomeric golgi complex 7; minus strand). Cytogenetic location: 16p12.2.
Variant type: single nucleotide variant.
Coding change: c.1064A>T on transcript NM_153603.4 (MANE Select); coding-DNA position 1064, A replaced by T.
Protein change: p.Tyr355Phe; replaces tyrosine 355 with phenylalanine.
Molecular consequence: missense variant.
Genome position (GRCh38, 1-based): chr16:23,418,773, T>A on the plus strand (A>T on the coding strand, the complement: COG7 is on the minus strand). VCF-style: chr16-23418773-T-A. GRCh37 (hg19) VCF-style: chr16-23430094-T-A.
Other names: short protein forms Y355F.
Identifiers: ClinVar variation 2194063 (VCV002194063.3), dbSNP rs1311996838, ClinGen allele CA395120473.

ClinVar aggregate classification (germline): Uncertain significance (1 of 4 stars; one submission).

Conditions:
COG7 congenital disorder of glycosylation (CDG2E). Also called: CDG IIe; CONGENITAL DISORDER OF GLYCOSYLATION, TYPE IIe. Identifiers: Orphanet 79333, MedGen C2931010, MONDO:0012118, OMIM 608779.

Allele frequency attached by ClinVar (database versions not stated): TOPMed 0.00003.

Submission:

Labcorp Genetics (formerly Invitae), Labcorp
Classification: Uncertain significance for COG7 congenital disorder of glycosylation. Last evaluated: 2022-04-07. Review status: criteria provided, single submitter. Criteria: Invitae Variant Classification Sherloc (09022015). Collection method: clinical testing. Allele origin: germline.
Comment: In summary, the available evidence is currently insufficient to determine the role of this variant in disease. Therefore, it has been classified as a Variant of Uncertain Significance. Algorithms developed to predict the effect of missense changes on protein structure and function are either unavailable or do not agree on the potential impact of this missense change (SIFT: "Tolerated"; PolyPhen-2: "Possibly Damaging"; Align-GVGD: "Class C0"). This variant has not been reported in the literature in individuals affected with COG7-related conditions. This variant is not present in population databases (gnomAD no frequency). This sequence change replaces tyrosine, which is neutral and polar, with phenylalanine, which is neutral and non-polar, at codon 355 of the COG7 protein (p.Tyr355Phe).